The following is an entry in ClinVar:

NM_006517.5(SLC16A2):c.1117G>A (p.Val373Met)

Gene: SLC16A2 (solute carrier family 16 member 2; plus strand). Cytogenetic location: Xq13.2.
Variant type: single nucleotide variant.
Coding change: c.1117G>A on transcript NM_006517.5 (MANE Select); coding-DNA position 1117, G replaced by A.
Protein change: p.Val373Met; replaces valine 373 with methionine.
Molecular consequence: missense variant.
Genome position (GRCh38, 1-based): chrX:74,525,840, G>A. VCF-style: chrX-74525840-G-A. GRCh37 (hg19) VCF-style: chrX-73745675-G-A.
Other names: short protein forms V373M.
Identifiers: ClinVar variation 590239 (VCV000590239.10), dbSNP rs201039304, ClinGen allele CA10454493.

ClinVar aggregate classification (germline): Conflicting classifications of pathogenicity. Review status: criteria provided, conflicting classifications (1 of 4 stars). 2 submissions from 2 submitters: Uncertain significance (1); Benign (1). Last evaluated 2024-05-08.

Conditions:
History of neurodevelopmental disorder. Identifiers: MedGen C2711754.
Spastic paraplegia. Identifiers: MedGen C0037772, HP:0001258.

Allele frequency attached by ClinVar (database versions not stated): gnomAD 0.00003 and 0.00004; TOPMed 0.00005; ExAC 0.00006; gnomAD exomes 0.00006 and 0.00010; ESP Exome Variant Server 0.00009.
gnomAD v4.1: 117 of 1,209,965 alleles (0.0097%); highest among the groups gnomAD compares: Non-Finnish European, 0.013%; no homozygotes.

Submissions (2):

Labcorp Genetics (formerly Invitae), Labcorp
Classification: Benign for Spastic paraplegia. Last evaluated: 2024-05-08. Review status: criteria provided, single submitter. Criteria: Invitae Variant Classification Sherloc (09022015). Collection method: clinical testing. Allele origin: germline.

Ambry Genetics
Classification: Uncertain significance for History of neurodevelopmental disorder. Last evaluated: 2013-04-03. Review status: criteria provided, single submitter. Criteria: Ambry Autosomal Dominant and X-Linked criteria (10/2015). Collection method: clinical testing. Allele origin: germline. Observed: 1 variant allele.
Comment: There is insufficient or conflicting evidence for classification of this alteration.